The following is an entry in ClinVar:

ClinVar aggregate classification (germline): Likely benign (1 of 4 stars; one submission).

Conditions:
EPO-related disorder. Also called: EPO-related condition.

Submission:

PreventionGenetics, part of Exact Sciences
Classification: Likely benign for EPO-related condition. Last evaluated: 2026-04-09. Review status: criteria provided, single submitter. Criteria: ACMG Guidelines, 2015. Collection method: clinical testing. Allele origin: germline.
Comment: This variant is classified as likely benign based on ACMG/AMP sequence variant interpretation guidelines (Richards et al. 2015 PMID: 25741868, with internal and published modifications).

NM_000799.4(EPO):c.247-7C>A

Gene: EPO (erythropoietin; plus strand). Cytogenetic location: 7q22.1.
Variant type: single nucleotide variant.
Coding change: c.247-7C>A on transcript NM_000799.4 (MANE Select); 7 bases into the intron before coding-DNA position 247, C replaced by A.
Molecular consequence: intron variant.
Genome position (GRCh38, 1-based): chr7:100,722,657, C>A. VCF-style: chr7-100722657-C-A. GRCh37 (hg19) VCF-style: chr7-100320280-C-A.
Identifiers: ClinVar variation 4992352 (VCV004992352.1).